The following is an entry in ClinVar:

ClinVar aggregate classification (germline): Uncertain significance (1 of 4 stars; one submission).

Conditions:
Lipoic acid synthetase deficiency. Also called: HYPERGLYCINEMIA, LACTIC ACIDOSIS, AND SEIZURES. Identifiers: Orphanet 401859, MedGen C3280887, MONDO:0013762, OMIM 614462.

Submission:

Labcorp Genetics (formerly Invitae), Labcorp
Classification: Uncertain significance for Lipoic acid synthetase deficiency. Last evaluated: 2022-07-11. Review status: criteria provided, single submitter. Criteria: Invitae Variant Classification Sherloc (09022015). Collection method: clinical testing. Allele origin: germline.
Comment: In summary, the available evidence is currently insufficient to determine the role of this variant in disease. Therefore, it has been classified as a Variant of Uncertain Significance. Algorithms developed to predict the effect of missense changes on protein structure and function (SIFT, PolyPhen-2, Align-GVGD) all suggest that this variant is likely to be disruptive. ClinVar contains an entry for this variant (Variation ID: 1019063). This variant has not been reported in the literature in individuals affected with LIAS-related conditions. This variant is not present in population databases (gnomAD no frequency). This sequence change replaces tyrosine, which is neutral and polar, with histidine, which is basic and polar, at codon 353 of the LIAS protein (p.Tyr353His).

NM_006859.4(LIAS):c.1057T>C (p.Tyr353His)

Gene: LIAS (lipoic acid synthetase; plus strand). Cytogenetic location: 4p14.
Variant type: single nucleotide variant.
Coding change: c.1057T>C on transcript NM_006859.4 (MANE Select); coding-DNA position 1057, T replaced by C.
Protein change: p.Tyr353His; replaces tyrosine 353 with histidine.
Molecular consequence: missense variant. On other transcripts: intron variant (1).
Genome position (GRCh38, 1-based): chr4:39,473,202, T>C. VCF-style: chr4-39473202-T-C. GRCh37 (hg19) VCF-style: chr4-39474822-T-C.
Other names: c.928T>C, p.Tyr310His (NM_001278590.2); c.748T>C, p.Tyr250His (NM_001363700.2); c.954+1896T>C (NM_194451.3); short protein forms Y250H, Y310H, Y353H.
Identifiers: ClinVar variation 1019063 (VCV001019063.8), dbSNP rs1745058560, ClinGen allele CA356665858.